The following is an entry in ClinVar:

NM_002439.5(MSH3):c.1764-2A>G

Gene: MSH3 (mutS homolog 3; plus strand). Cytogenetic location: 5q14.1.
Variant type: single nucleotide variant.
Coding change: c.1764-2A>G on transcript NM_002439.5 (MANE Select); the canonical splice acceptor site of the intron before coding-DNA position 1764, A replaced by G.
Molecular consequence: splice acceptor variant.
Genome position (GRCh38, 1-based): chr5:80,761,544, A>G. VCF-style: chr5-80761544-A-G. GRCh37 (hg19) VCF-style: chr5-80057363-A-G.
Other names: c.1764-2A>G (NM_002439.3).
Identifiers: ClinVar variation 953546 (VCV000953546.10), dbSNP rs773032453, ClinGen allele CA3328038.
Genomic context (GRCh38, chr5:80,761,544, plus strand): 5'-GGAAATGTCTATATTCTGAATTCCTAACATATCTGATTATTGCTATTACTCTTTTCTCAC[A>G]GGGAAATAAATGCCCGGCTTGATGCTGTATCGGAAGTTCTCCATTCAGAATCTAGTGTGT-3'

ClinVar aggregate classification (germline): Pathogenic/Likely pathogenic. Review status: criteria provided, multiple submitters, no conflicts (2 of 4 stars). 3 submissions from 3 submitters: Pathogenic (1); Likely pathogenic (2). Last evaluated 2025-04-07.

Conditions:
Familial adenomatous polyposis 4 (FAP4). Also called: MSH3-related attenuated familial adenomatous polyposis. Identifiers: Orphanet 480536, MedGen C4310719, MONDO:0044300, OMIM 617100.
Hereditary cancer-predisposing syndrome. Also called: Hereditary neoplastic syndrome; Tumor predisposition; Neoplastic Syndromes, Hereditary; Hereditary Cancer Syndrome. Identifiers: Orphanet 140162, MedGen C0027672, MeSH D009386, MONDO:0015356.

Allele frequency attached by ClinVar (database versions not stated): gnomAD exomes below 0.00001; ExAC 0.00001; gnomAD 0.00001.
gnomAD v4.1: 3 of 1,614,010 alleles (0.00019%); highest among the groups gnomAD compares: East Asian, 0.0045%; no homozygotes.

Submissions (3):

Labcorp Genetics (formerly Invitae), Labcorp
Classification: Pathogenic. Last evaluated: 2025-04-07. Review status: criteria provided, single submitter. Criteria: Invitae Variant Classification Sherloc (09022015). Collection method: clinical testing. Allele origin: germline.
Comment: This sequence change affects an acceptor splice site in intron 12 of the MSH3 gene. RNA analysis indicates that disruption of this splice site induces altered splicing and may result in an absent or altered protein product. This variant is present in population databases (rs773032453, gnomAD 0.1%). This variant has not been reported in the literature in individuals affected with MSH3-related conditions. ClinVar contains an entry for this variant (Variation ID: 953546). Studies have shown that disruption of this splice site results in skipping of exon 13, and produces a non-functional protein and/or introduces a premature termination codon (internal data). For these reasons, this variant has been classified as Pathogenic.

Ambry Genetics
Classification: Likely pathogenic for Hereditary cancer-predisposing syndrome. Last evaluated: 2025-02-10. Review status: criteria provided, single submitter. Criteria: Ambry Variant Classification Scheme 2023. Collection method: clinical testing. Allele origin: germline.
Comment: The c.1764-2A>G intronic variant results from an A to G substitution two nucleotides before coding exon 13 of the MSH3 gene. This variant is considered to be rare based on population cohorts in the Genome Aggregation Database (gnomAD). This nucleotide position is highly conserved in available vertebrate species. In silico splice site analysis predicts that this alteration will weaken the native splice acceptor site. Alterations that disrupt the canonical splice site are expected to cause aberrant splicing, resulting in an abnormal protein or a transcript that is subject to nonsense-mediated mRNA decay. As such, this alteration is classified as likely pathogenic.

Myriad Genetics, Inc.
Classification: Likely pathogenic for Familial adenomatous polyposis 4. Last evaluated: 2023-02-07. Review status: criteria provided, single submitter. Criteria: Myriad Autosomal Dominant, Autosomal Recessive and X-Linked Classification Criteria (2023). Collection method: clinical testing. Allele origin: unknown.
Comment: This variant is considered likely pathogenic. This variant occurs within a consensus splice junction and is predicted to result in abnormal mRNA splicing of either an out-of-frame exon or an in-frame exon necessary for protein stability and/or normal function.